The following is an entry in ClinVar:

ClinVar aggregate classification (germline): Uncertain significance (1 of 4 stars; one submission).

Conditions:
Hereditary nonpolyposis colorectal neoplasms. Identifiers: MedGen C0009405, MeSH D003123.

Submission:

Labcorp Genetics (formerly Invitae), Labcorp
Classification: Uncertain significance for Hereditary nonpolyposis colorectal neoplasms. Last evaluated: 2024-06-14. Review status: criteria provided, single submitter. Criteria: Invitae Variant Classification Sherloc (09022015). Collection method: clinical testing. Allele origin: germline.
Comment: This sequence change replaces threonine, which is neutral and polar, with alanine, which is neutral and non-polar, at codon 439 of the PMS2 protein (p.Thr439Ala). This variant is not present in population databases (gnomAD no frequency). This variant has not been reported in the literature in individuals affected with PMS2-related conditions. ClinVar contains an entry for this variant (Variation ID: 1931313). Advanced modeling of protein sequence and biophysical properties (such as structural, functional, and spatial information, amino acid conservation, physicochemical variation, residue mobility, and thermodynamic stability) performed at Invitae indicates that this missense variant is not expected to disrupt PMS2 protein function with a negative predictive value of 80%. In summary, the available evidence is currently insufficient to determine the role of this variant in disease. Therefore, it has been classified as a Variant of Uncertain Significance.

NM_000535.7(PMS2):c.1315A>G (p.Thr439Ala)

Gene: PMS2 (PMS1 homolog 2, mismatch repair system component; minus strand). Cytogenetic location: 7p22.1.
Variant type: single nucleotide variant.
Coding change: c.1315A>G on transcript NM_000535.7 (MANE Select); coding-DNA position 1315, A replaced by G.
Protein change: p.Thr439Ala; replaces threonine 439 with alanine.
Molecular consequence: missense variant. On other transcripts: non-coding transcript variant (1).
Genome position (GRCh38, 1-based): chr7:5,987,450, T>C on the plus strand (A>G on the coding strand, the complement: PMS2 is on the minus strand). VCF-style: chr7-5987450-T-C. GRCh37 (hg19) VCF-style: chr7-6027081-T-C.
Other names: c.910A>G, p.Thr304Ala (NM_001018040.1, NM_001322003.2, NM_001322004.2 and 17 more transcripts); c.1159A>G, p.Thr387Ala (NM_001322006.2, NM_001406870.1); c.997A>G, p.Thr333Ala (NM_001322007.2, NM_001322008.2, NM_001406876.1 and 2 more transcripts); c.754A>G, p.Thr252Ala (NM_001322010.2, NM_001406906.1, NM_001406907.1); c.382A>G, p.Thr128Ala (NM_001322011.2, NM_001322012.2); c.742A>G, p.Thr248Ala (NM_001322013.2, NM_001406909.1); c.1315A>G, p.Thr439Ala (NM_001322014.2, NM_001406871.1, NM_001406872.1); c.1006A>G, p.Thr336Ala (NM_001322015.2, NM_001406875.1, NM_001406877.1 and 5 more transcripts); and 12 more; short protein forms T248A, T284A, T317A, T281A, T333A, T403A, T447A, T128A.
Identifiers: ClinVar variation 1931313 (VCV001931313.5), dbSNP rs2128733586, ClinGen allele CA366742351.